The following is an entry in ClinVar:

ClinVar aggregate classification (germline): Likely benign. Review status: criteria provided, single submitter (1 of 4 stars). 2 submissions from 2 submitters: Likely benign (1). 1 of the submissions does not count toward it. Last evaluated 2024-05-15.

Conditions:
PLXNA2-related disorder. Also called: PLXNA2-related condition.

Submissions (2):

Labcorp Genetics (formerly Invitae), Labcorp
Classification: Likely benign. Last evaluated: 2024-05-15. Review status: criteria provided, single submitter. Criteria: Invitae Variant Classification Sherloc (09022015). Collection method: clinical testing. Allele origin: germline.

PreventionGenetics, part of Exact Sciences
Classification: Likely benign for PLXNA2-related condition. Last evaluated: 2023-06-22. Review status: no assertion criteria provided. Collection method: clinical testing. Allele origin: germline. Not counted in ClinVar's aggregate classification.
Comment: This variant is classified as likely benign based on ACMG/AMP sequence variant interpretation guidelines (Richards et al. 2015 PMID: 25741868, with internal and published modifications).

NM_025179.4(PLXNA2):c.1947C>T (p.Thr649=)

Gene: PLXNA2 (plexin A2; minus strand). Cytogenetic location: 1q32.2.
Variant type: single nucleotide variant.
Coding change: c.1947C>T on transcript NM_025179.4 (MANE Select); coding-DNA position 1947, C replaced by T.
Protein change: p.Thr649=; no amino-acid change (threonine 649 retained).
Molecular consequence: synonymous variant.
Genome position (GRCh38, 1-based): chr1:208,096,064, G>A on the plus strand (C>T on the coding strand, the complement: PLXNA2 is on the minus strand). VCF-style: chr1-208096064-G-A. GRCh37 (hg19) VCF-style: chr1-208269409-G-A.
Identifiers: ClinVar variation 3356120 (VCV003356120.3).